The following is an entry in ClinVar:

NM_003924.4(PHOX2B):c.917C>A (p.Ala306Asp)

Gene: PHOX2B (paired like homeobox 2B; minus strand). Cytogenetic location: 4p13.
Variant type: single nucleotide variant.
Coding change: c.917C>A on transcript NM_003924.4 (MANE Select); coding-DNA position 917, C replaced by A.
Protein change: p.Ala306Asp; replaces alanine 306 with aspartic acid.
Molecular consequence: missense variant.
Genome position (GRCh38, 1-based): chr4:41,745,835, G>T on the plus strand (C>A on the coding strand, the complement: PHOX2B is on the minus strand). VCF-style: chr4-41745835-G-T. GRCh37 (hg19) VCF-style: chr4-41747852-G-T.
Other names: short protein forms A306D.
Identifiers: ClinVar variation 535777 (VCV000535777.14), dbSNP rs1352110516, ClinGen allele CA356736722.
Genomic context (GRCh38, chr4:41,745,835, plus strand): 5'-CGCCGCCGCCGCCGCCGCCGCAGGATTCCAGATCAGAACATACTGCTCTTCACTAAGGCG[G>T]CTTTGGCACCGTTGGGTCTTTGGAGCGAAGATAGGACGCTGGCGAAGGGACCCCCAAGCG-3'
Protein context (NP_003915.2, residues 296-314): SSLQRPNGAK[Ala306Asp]ALVKSSMF

ClinVar aggregate classification (germline): Uncertain significance. Review status: criteria provided, multiple submitters, no conflicts (2 of 4 stars). 3 submissions from 3 submitters: Uncertain significance (3). Last evaluated 2025-05-27.

Conditions:
Haddad syndrome (OHD). Also called: Ondine-Hirschsprung disease. Identifiers: Orphanet 99803, MedGen C1859049, MONDO:0020493.
Hereditary cancer-predisposing syndrome. Also called: Neoplastic Syndromes, Hereditary; Tumor predisposition; Hereditary Cancer Syndrome; Hereditary neoplastic syndrome. Identifiers: Orphanet 140162, MedGen C0027672, MeSH D009386, MONDO:0015356.
Neuroblastoma, susceptibility to, 2. Identifiers: Orphanet 635, MedGen C2751682, MONDO:0700041, OMIM 613013.

Allele frequency attached by ClinVar (database versions not stated): TOPMed below 0.00001; gnomAD exomes 0.00001.
gnomAD v4.1: 7 of 1,609,892 alleles (0.00043%); highest among the groups gnomAD compares: Admixed American, 0.0017%; no homozygotes.

Submissions (3):

Labcorp Genetics (formerly Invitae), Labcorp
Classification: Uncertain significance for Haddad syndrome. Last evaluated: 2025-05-27. Review status: criteria provided, single submitter. Criteria: Invitae Variant Classification Sherloc (09022015). Collection method: clinical testing. Allele origin: germline.
Comment: This sequence change replaces alanine, which is neutral and non-polar, with aspartic acid, which is acidic and polar, at codon 306 of the PHOX2B protein (p.Ala306Asp). The frequency data for this variant in the population databases is considered unreliable, as metrics indicate poor data quality at this position in the gnomAD database. This variant has not been reported in the literature in individuals affected with PHOX2B-related conditions. ClinVar contains an entry for this variant (Variation ID: 535777). Experimental studies and prediction algorithms are not available or were not evaluated, and the functional significance of this variant is currently unknown. In summary, the available evidence is currently insufficient to determine the role of this variant in disease. Therefore, it has been classified as a Variant of Uncertain Significance.

Ambry Genetics
Classification: Uncertain significance for Hereditary cancer-predisposing syndrome. Last evaluated: 2024-08-08. Review status: criteria provided, single submitter. Criteria: Ambry Variant Classification Scheme 2023. Collection method: clinical testing. Allele origin: germline.
Comment: The p.A306D variant (also known as c.917C>A), located in coding exon 3 of the PHOX2B gene, results from a C to A substitution at nucleotide position 917. The alanine at codon 306 is replaced by aspartic acid, an amino acid with dissimilar properties. This amino acid position is well conserved in available vertebrate species. In addition, the in silico prediction for this alteration is inconclusive. Since supporting evidence is limited at this time, the clinical significance of this alteration remains unclear.

Baylor Genetics
Classification: Uncertain significance for Neuroblastoma, susceptibility to, 2. Last evaluated: 2024-01-17. Review status: criteria provided, single submitter. Criteria: ACMG Guidelines, 2015. Collection method: clinical testing. Allele origin: unknown.